The following is an entry in ClinVar:

NM_006218.4(PIK3CA):c.1775C>T (p.Pro592Leu)

Gene: PIK3CA (phosphatidylinositol-4,5-bisphosphate 3-kinase catalytic subunit alpha; plus strand). Cytogenetic location: 3q26.32.
Variant type: single nucleotide variant.
Coding change: c.1775C>T on transcript NM_006218.4 (MANE Select); coding-DNA position 1775, C replaced by T.
Protein change: p.Pro592Leu; replaces proline 592 with leucine.
Molecular consequence: missense variant.
Genome position (GRCh38, 1-based): chr3:179,219,599, C>T. VCF-style: chr3-179219599-C-T. GRCh37 (hg19) VCF-style: chr3-178937387-C-T.
Other names: short protein forms P592L.
Identifiers: ClinVar variation 1779867 (VCV001779867.6), dbSNP rs2108410690, ClinGen allele CA355265952.

ClinVar aggregate classification (germline): Uncertain significance. Review status: criteria provided, multiple submitters, no conflicts (2 of 4 stars). 2 submissions from 2 submitters: Uncertain significance (2). Last evaluated 2025-10-29.

Conditions:
Cowden syndrome (CS). Also called: Cowden's disease; Cowden's syndrome; Cowden disease. Identifiers: Orphanet 201, MedGen C0018553, MONDO:0016063. Disease mechanism: gain of function.
Inborn genetic diseases. Identifiers: MedGen C0950123, MeSH D030342.

Submissions (2):

Ambry Genetics
Classification: Uncertain significance for Inborn genetic diseases. Last evaluated: 2025-10-29. Review status: criteria provided, single submitter. Criteria: Ambry Variant Classification Scheme 2023. Collection method: clinical testing. Allele origin: germline.

Labcorp Genetics (formerly Invitae), Labcorp
Classification: Uncertain significance for Cowden syndrome. Last evaluated: 2023-08-28. Review status: criteria provided, single submitter. Criteria: Invitae Variant Classification Sherloc (09022015). Collection method: clinical testing. Allele origin: germline.
Comment: This variant has not been reported in the literature in individuals affected with PIK3CA-related conditions. ClinVar contains an entry for this variant (Variation ID: 1779867). This sequence change replaces proline, which is neutral and non-polar, with leucine, which is neutral and non-polar, at codon 592 of the PIK3CA protein (p.Pro592Leu). This variant is not present in population databases (gnomAD no frequency). Advanced modeling of protein sequence and biophysical properties (such as structural, functional, and spatial information, amino acid conservation, physicochemical variation, residue mobility, and thermodynamic stability) has been performed at Invitae for this missense variant, however the output from this modeling did not meet the statistical confidence thresholds required to predict the impact of this variant on PIK3CA protein function. In summary, the available evidence is currently insufficient to determine the role of this variant in disease. Therefore, it has been classified as a Variant of Uncertain Significance.